The following is an entry in ClinVar:

NM_001077418.3(TMEM231):c.*8A>G

Gene: TMEM231 (transmembrane protein 231; minus strand). Cytogenetic location: 16q23.1.
Variant type: single nucleotide variant.
Coding change: c.*8A>G on transcript NM_001077418.3 (MANE Select); 8 bases downstream of the stop codon, A replaced by G.
Molecular consequence: 3 prime UTR variant. On other transcripts: non-coding transcript variant (1).
Genome position (GRCh38, 1-based): chr16:75,539,986, T>C on the plus strand (A>G on the coding strand, the complement: TMEM231 is on the minus strand). VCF-style: chr16-75539986-T-C. GRCh37 (hg19) VCF-style: chr16-75573884-T-C.
Other names: c.*8A>G (NM_001077416.2).
Identifiers: ClinVar variation 257328 (VCV000257328.5), dbSNP rs2242407, ClinGen allele CA8175983.

ClinVar aggregate classification (germline): Benign. Review status: criteria provided, multiple submitters, no conflicts (2 of 4 stars). 5 submissions from 5 submitters: Benign (5). Last evaluated 2024-11-28.

Allele frequency attached by ClinVar (database versions not stated): gnomAD exomes 0.23371 and 0.25275; 1000 Genomes Project 30x 0.23766; 1000 Genomes Project 0.24141; TOPMed 0.24338; ESP Exome Variant Server 0.24579; gnomAD 0.25185 and 0.25393; ExAC 0.25622.

Submissions (5):

Blueprint Genetics
Classification: Benign. Last evaluated: 2024-11-28. Review status: criteria provided, single submitter. Criteria: ACMG Guidelines, 2015. Collection method: clinical testing. Allele origin: germline.

Mayo Clinic Laboratories, Mayo Clinic
Classification: Benign. Last evaluated: 2022-03-09. Review status: criteria provided, single submitter. Criteria: ACMG Guidelines, 2015. Collection method: clinical testing. Allele origin: germline. Observed: 25 variant alleles.

GeneDx
Classification: Benign. Last evaluated: 2016-01-22. Review status: criteria provided, single submitter. Criteria: GeneDx Variant Classification (06012015). Collection method: clinical testing. Allele origin: germline. Affected: yes.
Comment: This variant is considered likely benign or benign based on one or more of the following criteria: it is a conservative change, it occurs at a poorly conserved position in the protein, it is predicted to be benign by multiple in silico algorithms, and/or has population frequency not consistent with disease.

Breakthrough Genomics
Classification: Benign. Review status: criteria provided, single submitter. Criteria: ACMG Guidelines, 2015. Collection method: not provided. Allele origin: germline. Inheritance: Autosomal recessive inheritance. Affected: yes.

PreventionGenetics, part of Exact Sciences
Classification: Benign. Review status: criteria provided, single submitter. Criteria: ACMG Guidelines, 2015. Collection method: clinical testing. Allele origin: germline.